The following is an entry in ClinVar:

NM_181078.3(IL21R):c.96G>A (p.Thr32=)

Gene: IL21R (interleukin 21 receptor; plus strand). Cytogenetic location: 16p12.1.
Variant type: single nucleotide variant.
Coding change: c.96G>A on transcript NM_181078.3 (MANE Select); coding-DNA position 96, G replaced by A.
Protein change: p.Thr32=; no amino-acid change (threonine 32 retained).
Molecular consequence: synonymous variant.
Genome position (GRCh38, 1-based): chr16:27,434,393, G>A. VCF-style: chr16-27434393-G-A. GRCh37 (hg19) VCF-style: chr16-27445714-G-A.
Other names: c.96G>A, p.Thr32= (NM_021798.4); c.162G>A, p.Thr54= (NM_181079.5).
Identifiers: ClinVar variation 764403 (VCV000764403.14), dbSNP rs187217568, ClinGen allele CA7974870.
Genomic context (GRCh38, chr16:27,434,393, plus strand): 5'-CACTGACCCTCCAGGCTGGGGCTGCCCCGACCTCGTCTGCTACACCGATTACCTCCAGAC[G>A]GTCATCTGCATCCTGGAAATGTGGAACCTCCACCCCAGCACGCTCACCCTTACCTGGTAA-3'
Protein context (NP_851564.1, residues 22-42): DLVCYTDYLQ[Thr32=]VICILEMWNL

ClinVar aggregate classification (germline): Likely benign. Review status: criteria provided, multiple submitters, no conflicts (2 of 4 stars). 3 submissions from 3 submitters: Likely benign (3). Last evaluated 2026-06-01.

Conditions:
Cryptosporidiosis-chronic cholangitis-liver disease syndrome. Also called: Immunodeficiency type 56; IL21R immunodeficiency. Identifiers: Orphanet 357329, MedGen C3554687, MONDO:0014082, OMIM 615207.

Allele frequency attached by ClinVar (database versions not stated): gnomAD exomes 0.00003 and 0.00008; TOPMed 0.00003; gnomAD 0.00004 and 0.00006; ExAC 0.00007; 1000 Genomes Project 0.00060; 1000 Genomes Project 30x 0.00062.

Submissions (3):

CeGaT Center for Human Genetics Tuebingen
Classification: Likely benign. Last evaluated: 2026-06-01. Review status: criteria provided, single submitter. Criteria: CeGaT Center For Human Genetics Tuebingen Variant Classification Criteria Version 2. Collection method: clinical testing. Allele origin: germline. Affected: yes. Observed: 1 variant allele.
Comment: IL21R: BP4, BP7

Women's Health and Genetics/Laboratory Corporation of America, LabCorp
Classification: Likely benign. Last evaluated: 2026-04-06. Review status: criteria provided, single submitter. Criteria: LabCorp Variant Classification Summary - May 2015. Collection method: clinical testing. Allele origin: germline.

Labcorp Genetics (formerly Invitae), Labcorp
Classification: Likely benign for Cryptosporidiosis-chronic cholangitis-liver disease syndrome. Last evaluated: 2026-01-12. Review status: criteria provided, single submitter. Criteria: Invitae Variant Classification Sherloc (09022015). Collection method: clinical testing. Allele origin: germline.